The following is an entry in ClinVar:

NM_001005242.3(PKP2):c.1028A>G (p.Gln343Arg)

Gene: PKP2 (plakophilin 2; minus strand). Cytogenetic location: 12p11.21.
Variant type: single nucleotide variant.
Coding change: c.1028A>G on transcript NM_001005242.3 (MANE Select); coding-DNA position 1028, A replaced by G.
Protein change: p.Gln343Arg; replaces glutamine 343 with arginine.
Molecular consequence: missense variant.
Genome position (GRCh38, 1-based): chr12:32,877,852, T>C on the plus strand (A>G on the coding strand, the complement: PKP2 is on the minus strand). VCF-style: chr12-32877852-T-C. GRCh37 (hg19) VCF-style: chr12-33030786-T-C.
Other names: c.1028A>G, p.Gln343Arg (NM_004572.4); short protein forms Q343R.
Identifiers: ClinVar variation 923570 (VCV000923570.11), dbSNP rs762744983, ClinGen allele CA026721.
Genomic context (GRCh38, chr12:32,877,852, plus strand): 5'-TGGGAACAGAATGTGCTGGCAATGACTGAACTGCAGAGTCAGGAGGGGACTTACCCCAGC[T>C]GGGAGTCAGTGAAAGTGCTTCTCTCAGTGAGCAGATTCCCACTTCCCCCTGCGGCCGCCT-3'
Protein context (NP_001005242.2, residues 333-353): LTERSTFTDS[Gln343Arg]LGNADMEMTL

ClinVar aggregate classification (germline): Uncertain significance. Review status: criteria provided, multiple submitters, no conflicts (2 of 4 stars). 4 submissions from 4 submitters: Uncertain significance (4). Last evaluated 2025-08-30.

Conditions:
Cardiovascular phenotype. Identifiers: MedGen CN230736.
Arrhythmogenic right ventricular cardiomyopathy (ARVD). Also called: Arrhythmogenic cardiomyopathy; Cardiomyopathy, ARVC; Arrhythmogenic right ventricular dysplasia; Arrhythmogenic Right Ventricular Cardiomyopathy (ARVC). Identifiers: Orphanet 247, MedGen C0349788, MeSH D019571, MONDO:0016587. Disease mechanism: loss of function. Inheritance: Various modes of inheritance.
Cardiomyopathy (CMYO). Also called: Cardiomyopathies. Identifiers: Orphanet 167848, MedGen C0878544, MONDO:0004994, HP:0001638. Inheritance: Various modes of inheritance.
Arrhythmogenic right ventricular dysplasia 9 (ARVD9). Also called: Arrhythmogenic Right Ventricular Dysplasia/Cardiomyopathy 9; ARRHYTHMOGENIC RIGHT VENTRICULAR DYSPLASIA, FAMILIAL, 9. Identifiers: MedGen C1836906, MONDO:0012180, OMIM 609040.

Allele frequency attached by ClinVar (database versions not stated): gnomAD below 0.00001 and 0.00001; ExAC 0.00001; gnomAD exomes 0.00001.
gnomAD v4.1: 18 of 1,611,868 alleles (0.0011%); highest among the groups gnomAD compares: South Asian, 0.019%; 1 homozygote.

Submissions (4):

Ambry Genetics
Classification: Uncertain significance for Cardiovascular phenotype. Last evaluated: 2025-08-30. Review status: criteria provided, single submitter. Criteria: Ambry Variant Classification Scheme 2023. Collection method: clinical testing. Allele origin: germline.
Comment: The p.Q343R variant (also known as c.1028A>G), located in coding exon 3 of the PKP2 gene, results from an A to G substitution at nucleotide position 1028. The glutamine at codon 343 is replaced by arginine, an amino acid with highly similar properties. This amino acid position is conserved. In addition, the in silico prediction for this alteration is inconclusive. Based on the available evidence, the clinical significance of this variant remains unclear.

Labcorp Genetics (formerly Invitae), Labcorp
Classification: Uncertain significance for Arrhythmogenic right ventricular dysplasia 9. Last evaluated: 2025-07-23. Review status: criteria provided, single submitter. Criteria: Invitae Variant Classification Sherloc (09022015). Collection method: clinical testing. Allele origin: germline.
Comment: This sequence change replaces glutamine, which is neutral and polar, with arginine, which is basic and polar, at codon 343 of the PKP2 protein (p.Gln343Arg). This variant is present in population databases (rs762744983, gnomAD 0.007%). This variant has not been reported in the literature in individuals affected with PKP2-related conditions. ClinVar contains an entry for this variant (Variation ID: 923570). An algorithm developed to predict the effect of missense changes on protein structure and function (PolyPhen-2) suggests that this variant is likely to be disruptive. In summary, the available evidence is currently insufficient to determine the role of this variant in disease. Therefore, it has been classified as a Variant of Uncertain Significance.

All of Us Research Program, National Institutes of Health
Classification: Uncertain significance for Arrhythmogenic right ventricular cardiomyopathy. Last evaluated: 2024-09-23. Review status: criteria provided, single submitter. Criteria: ACMG Guidelines, 2015. Collection method: clinical testing. Allele origin: germline. Inheritance: Autosomal dominant inheritance. Observed: 3 variant alleles, 3 heterozygotes.
Comment: This missense variant replaces glutamine with arginine at codon 343 of the PKP2 protein. Computational prediction suggests that this variant may not impact protein structure and function (internally defined REVEL score threshold <= 0.5, PMID: 27666373). To our knowledge, functional studies have not been reported for this variant. This variant has not been reported in individuals affected with cardiovascular disorders in the literature. This variant has been identified in 2/248550 chromosomes in the general population by the Genome Aggregation Database (gnomAD). The available evidence is insufficient to determine the role of this variant in disease conclusively. Therefore, this variant is classified as a Variant of Uncertain Significance.

This study involves interpretation of variants in research participants for the purpose of population health screening. Participant phenotype was not available at the time of variant classification. Additional details can be found in publication PMID: 35346344, PMCID: PMC8962531

Color Diagnostics, LLC DBA Color Health
Classification: Uncertain significance for Cardiomyopathy. Last evaluated: 2024-03-07. Review status: criteria provided, single submitter. Criteria: ACMG Guidelines, 2015. Collection method: clinical testing. Allele origin: germline.
Comment: This missense variant replaces glutamine with arginine at codon 343 of the PKP2 protein. Computational prediction suggests that this variant may not impact protein structure and function (internally defined REVEL score threshold <= 0.5, PMID: 27666373). To our knowledge, functional studies have not been reported for this variant. This variant has not been reported in individuals affected with cardiovascular disorders in the literature. This variant has been identified in 2/248550 chromosomes in the general population by the Genome Aggregation Database (gnomAD). The available evidence is insufficient to determine the role of this variant in disease conclusively. Therefore, this variant is classified as a Variant of Uncertain Significance.